The following is an entry in ClinVar:

NM_005562.3(LAMC2):c.1423G>T (p.Glu475Ter)

Gene: LAMC2 (laminin subunit gamma 2; plus strand). Cytogenetic location: 1q25.3.
Variant type: single nucleotide variant.
Coding change: c.1423G>T on transcript NM_005562.3 (MANE Select); coding-DNA position 1423, G replaced by T.
Protein change: p.Glu475Ter; replaces glutamic acid 475 with a stop codon.
Molecular consequence: nonsense.
Genome position (GRCh38, 1-based): chr1:183,227,652, G>T. VCF-style: chr1-183227652-G-T. GRCh37 (hg19) VCF-style: chr1-183196787-G-T.
Other names: c.1423G>T, p.Glu475Ter (NM_018891.3); short protein forms E475*.
Identifiers: ClinVar variation 5014115 (VCV005014115.1).

ClinVar aggregate classification (germline): Pathogenic (1 of 4 stars; one submission).

Conditions:
Junctional epidermolysis bullosa. Identifiers: Orphanet 305, MedGen C0079301, MONDO:0017612.

Submission:

Myriad Genetics, Inc.
Classification: Pathogenic for Junctional epidermolysis bullosa. Last evaluated: 2025-02-20. Review status: criteria provided, single submitter. Criteria: Myriad Autosomal Dominant, Autosomal Recessive and X-Linked Classification Criteria (2023). Collection method: clinical testing. Allele origin: unknown.
Comment: NM_005562.2(LAMC2):c.1423G>T(E475*) is expected to be pathogenic in the context of junctional epidermolysis bullosa, LAMC2-related. This variant is predicted to lead to an abnormal or absent protein product due to the creation of a premature termination codon in LAMC2, a gene where loss-of-function variants are known to be pathogenic. Please note: this variant was assessed in the context of healthy population screening.